The following is an entry in ClinVar:

NM_000277.3(PAH):c.1055del (p.Gly352fs)

Gene: PAH (phenylalanine hydroxylase; minus strand). Cytogenetic location: 12q23.2.
Variant type: Deletion.
Coding change: c.1055del on transcript NM_000277.3 (MANE Select); coding-DNA position 1055, one base deleted (G; older notation c.1055delG).
Protein change: p.Gly352fs; shifts the reading frame from glycine 352.
Molecular consequence: frameshift variant.
Genome position (GRCh38, 1-based): chr12:102,844,346, C deleted on the plus strand (G on the coding strand, the reverse complement: PAH is on the minus strand); the first of 2 consecutive C bases (chr12:102,844,346-102,844,347); deleting either gives the same sequence. VCF-style (leftmost placement, unchanged base first): chr12-102844345-AC-A. GRCh37 (hg19) VCF-style: chr12-103238123-AC-A.
Other names: NM_000277.2(PAH):c.1055delG; c.1055del, p.Gly352fs (NM_001354304.2); c.1055delG (NM_000277.2, NM_000277.3); short protein forms G352fs.
Identifiers: ClinVar variation 102498 (VCV000102498.29), dbSNP rs62516094, ClinGen allele CA229311.

ClinVar aggregate classification (germline): Pathogenic. Review status: reviewed by expert panel (3 of 4 stars). 14 submissions from 14 submitters: Pathogenic (1). 13 of the submissions do not count toward it. Last evaluated 2018-08-10.

Conditions:
PAH-related disorder. Also called: PAH-related condition.
Phenylketonuria (PKU). Also called: Phenylketonuria (PKU); FOLLING DISEASE; OLIGOPHRENIA PHENYLPYRUVICA; Phenylketonurias. Identifiers: Orphanet 716, MedGen C0031485, MONDO:0009861, OMIM 261600. Disease mechanism: loss of function.

Submissions (14):

ClinGen PAH Variant Curation Expert Panel
Classification: Pathogenic for Phenylketonuria. Last evaluated: 2018-08-10. Review status: reviewed by expert panel. Criteria: ClinGen PAH ACMG Specifications v1. Collection method: curation. Allele origin: germline. Inheritance: Autosomal recessive inheritance.
Comment: PAH-specific ACMG/AMP criteria applied: PVS1: Frameshift variant; PM2: Extremely low frequency in ExAC, MAF=0.00002.; PP4: Identified in a pair of siblings with PKU. (PMID:7913581). In summary this variant meets criteria to be classified as pathogenic for phenylketonuria in an autosomal recessive manner based on the ACMG/AMP criteria applied as specified by the PAH Expert Panel: (PVS1, PM2, PP4).

3billion
Classification: Pathogenic for Phenylketonuria. Last evaluated: 2025-09-24. Review status: criteria provided, single submitter. Criteria: ACMG Guidelines, 2015. Collection method: clinical testing. Allele origin: germline. Affected: yes. Not counted in ClinVar's aggregate classification.
Comment: The variant is observed at an extremely low frequency in the gnomAD v4.1.0 dataset (total allele frequency: 0.001%). Predicted Consequence/Location: Frameshift: predicted to result in a loss or disruption of normal protein function through nonsense-mediated decay (NMD) or protein truncation. Multiple pathogenic variants are reported downstream of the variant. The variant has been reported multiple times as an established pathogenic variant (ClinVar ID: VCV000102498 /PMID: 7913581). Therefore, this variant is classified as Pathogenic according to the recommendation of ACMG/AMP guideline.

Natera, Inc.
Classification: Pathogenic for Phenylketonuria. Last evaluated: 2025-06-16. Review status: criteria provided, single submitter. Criteria: Natera Variant Classification Schema (03/2026). Collection method: clinical testing. Allele origin: germline. Not counted in ClinVar's aggregate classification.
Comment: The c.1055delG variant in PAH is a frameshift variant predicted to shift the reading frame beginning at codon 352 and leads to a stop codon 48 codons downstream. This variant is expected to result in nonsense mediated decay, truncation, or a dysfunctional protein product. This variant is rare in the general population with a frequency below the threshold expected for the associated phenotype(s). This variant has been observed in one or more individuals affected with the associated recessive disease, as either homozygous or compound heterozygous with a second variant (PMID: 23942198). Given the available evidence, this variant is classified as Pathogenic.

Blueprint Genetics
Classification: Likely pathogenic for PAH-related disorders. Last evaluated: 2024-10-08. Review status: criteria provided, single submitter. Criteria: ACMG Guidelines, 2015. Collection method: clinical testing. Allele origin: germline. Affected: yes. Observed: 2 variant alleles. Not counted in ClinVar's aggregate classification.

Genomic Medicine Center of Excellence, King Faisal Specialist Hospital and Research Centre
Classification: Pathogenic for Phenylketonuria. Last evaluated: 2024-09-22. Review status: criteria provided, single submitter. Criteria: ACMG Guidelines, 2015. Collection method: clinical testing. Allele origin: germline. Not counted in ClinVar's aggregate classification.

Labcorp Genetics (formerly Invitae), Labcorp
Classification: Pathogenic for Phenylketonuria. Last evaluated: 2024-03-05. Review status: criteria provided, single submitter. Criteria: Invitae Variant Classification Sherloc (09022015). Collection method: clinical testing. Allele origin: germline. Not counted in ClinVar's aggregate classification.
Comment: This sequence change creates a premature translational stop signal (p.Gly352Valfs*48) in the PAH gene. It is expected to result in an absent or disrupted protein product. Loss-of-function variants in PAH are known to be pathogenic (PMID: 1301187, 9634518). This variant is not present in population databases (gnomAD no frequency). This premature translational stop signal has been observed in individual(s) with phenylketonuria (PKU) (PMID: 7913581). ClinVar contains an entry for this variant (Variation ID: 102498). For these reasons, this variant has been classified as Pathogenic.

GeneDx
Classification: Pathogenic. Last evaluated: 2023-12-29. Review status: criteria provided, single submitter. Criteria: GeneDx Variant Classification Process June 2021. Collection method: clinical testing. Allele origin: germline. Affected: yes. Not counted in ClinVar's aggregate classification.
Comment: Frameshift variant predicted to result in protein truncation or nonsense mediated decay in a gene for which loss-of-function is a known mechanism of disease; Not observed at significant frequency in large population cohorts (gnomAD); This variant is associated with the following publications: (PMID: 34828281, 1301187, 24939588, 7545869, 21228398, 7913581, 19786003, 9781015, 9634518, 8069318, 33375644, 29749107, 33465300, 30375370, 10394930, 30829006, 19292873, 23430918, 26666653, 32668217, 27535533)

Laboratorio de Genetica e Diagnostico Molecular, Hospital Israelita Albert Einstein
Classification: Pathogenic for Phenylketonuria. Last evaluated: 2021-11-16. Review status: criteria provided, single submitter. Criteria: ACMG Guidelines, 2015. Collection method: clinical testing. Allele origin: germline. Affected: yes. Not counted in ClinVar's aggregate classification.
Comment: ACMG classification criteria: PVS1 very strong, PS4 strong, PM2 moderate, PM3 very strong, PP1 supporting, PP4 supporting

Illumina Laboratory Services, Illumina
Classification: Pathogenic for Phenylketonuria. Last evaluated: 2018-08-14. Review status: criteria provided, single submitter. Criteria: ICSL Variant Classification Criteria 09 May 2019. Collection method: clinical testing. Allele origin: germline. Not counted in ClinVar's aggregate classification.
Comment: The PAH c.1055delG (p.Gly352ValfsTer48) variant is predicted to result in a frameshift and premature truncation of the protein. Across a selection of the available literature, the p.Gly352ValfsTer48 variant has been reported in at least 37 unrelated individuals with phenylalanine hydroxylase deficiency, including in a homozygous state in 21 individuals, in a compound heterozygous state in 15 individuals, and in a heterozygous state in one individual in whom a second variant was not identified (Rozen et al. 1994; Daniele et al. 2009; Dahri et al. 2010; Jeannesson-Thivisol et al. 2015). Most of these cases showed a classic phenotype; 14 individuals who were severely affected displayed clinical symptoms due to delayed diagnosis and treatment. Control data are unavailable for the p.Gly352ValfsTer48 variant, which is reported at a frequency of 0.000015 in the European (non-Finnish) population of the Exome Aggregation Consortium. This frequency is based on one allele only in a region of good sequence coverage, suggesting the variant is rare. Based on the collective evidence, the p.Gly352ValfsTer48 variant is classified as pathogenic for phenylalanine hydroxylase deficiency. This variant was observed by ICSL as part of a predisposition screen in an ostensibly healthy population.

Women's Health and Genetics/Laboratory Corporation of America, LabCorp
Classification: Pathogenic for Phenylketonuria. Last evaluated: 2017-08-21. Review status: criteria provided, single submitter. Criteria: LabCorp Variant Classification Summary - May 2015. Collection method: clinical testing. Allele origin: germline. Not counted in ClinVar's aggregate classification.
Comment: Variant summary: The c.1055delG (p.Gly352Valfs) variant in PAH gene is a frameshift change that results in the loss of ~162 amino acids of the PAH protein (~11%). This change is predicted to cause loss of normal protein function through protein truncation or nonsense-mediated mRNA decay. The variant is present at a low frequency in the large control population datasets of ExAC (8.351e-06; 1/119744 chrs tested). The c.1055delG has been reported in multiple affected individuals with biochemically confirmed PKU via published reports. This variant is associated with predominantly severe clinical phenotype and homozygous patients are non-responsive to BH4 therapy. Lastly, it is cited as Pathogenic by reputable databases/clinical laboratories. Taking together, the variant was classified as Pathogenic.

Quest Diagnostics Nichols Institute San Juan Capistrano
Classification: Pathogenic. Last evaluated: 2016-08-25. Review status: criteria provided, single submitter. Criteria: Quest Diagnostics criteria. Collection method: clinical testing. Allele origin: germline. Not counted in ClinVar's aggregate classification.

Eurofins Ntd Llc (ga)
Classification: Pathogenic. Last evaluated: 2016-06-29. Review status: criteria provided, single submitter. Criteria: EGL Classification Definitions 2015. Collection method: clinical testing. Allele origin: germline. Observed: 1 variant allele, 1 heterozygote. Not counted in ClinVar's aggregate classification.

Counsyl
Classification: Pathogenic for Phenylketonuria. Last evaluated: 2017-02-01. Review status: no assertion criteria provided. Collection method: clinical testing. Allele origin: unknown. Not counted in ClinVar's aggregate classification.

DeBelle Laboratory for Biochemical Genetics, MUHC/MCH RESEARCH INSTITUTE
No classification provided. Review status: no classification provided. Collection method: not provided. Allele origin: not provided. Not counted in ClinVar's aggregate classification.

Literature cited by the submitters: PubMed 7913581 (cited by 5 submitters); PubMed 23942198 (cited by Natera, Inc.); PubMed 1301187 (cited by Labcorp Genetics (formerly Invitae), Labcorp); PubMed 9634518 (cited by Labcorp Genetics (formerly Invitae), Labcorp); PubMed 19786003 (cited by 5 submitters); PubMed 26666653 (cited by 4 submitters); PubMed 19292873 (cited by Illumina Laboratory Services, Illumina and Quest Diagnostics Nichols Institute San Juan Capistrano); PubMed 7545869 (cited by Women's Health and Genetics/Laboratory Corporation of America, LabCorp); PubMed 21228398 (cited by Quest Diagnostics Nichols Institute San Juan Capistrano); PubMed 8069318 (cited by Quest Diagnostics Nichols Institute San Juan Capistrano); PubMed 24939588 (cited by Quest Diagnostics Nichols Institute San Juan Capistrano); PubMed 9781015 (cited by Quest Diagnostics Nichols Institute San Juan Capistrano).